The following is an entry in ClinVar:

ClinVar aggregate classification (germline): Uncertain significance (1 of 4 stars; one submission).

Conditions:
Autosomal recessive limb-girdle muscular dystrophy type 2F (LGMDR6). Also called: MUSCULAR DYSTROPHY, LIMB-GIRDLE, AUTOSOMAL RECESSIVE 6; Muscular dystrophy limb-girdle with delta-sarcoglyan deficiency. Identifiers: Orphanet 219, MedGen C1832525, MONDO:0011028, OMIM 601287. Disease mechanism: Affects gamma-sarcoglycan and also disrupts the integrity of the entire sarcoglycan complex..

Allele frequency attached by ClinVar (database versions not stated): gnomAD exomes below 0.00001.
gnomAD v4.1: 1 of 1,606,364 alleles (0.000062%); highest among the groups gnomAD compares: African/African-American, 0.0013%; no homozygotes.

Submission:

Labcorp Genetics (formerly Invitae), Labcorp
Classification: Uncertain significance for Autosomal recessive limb-girdle muscular dystrophy type 2F. Last evaluated: 2024-10-15. Review status: criteria provided, single submitter. Criteria: Invitae Variant Classification Sherloc (09022015). Collection method: clinical testing. Allele origin: germline.
Comment: This sequence change replaces glutamic acid, which is acidic and polar, with alanine, which is neutral and non-polar, at codon 228 of the SGCD protein (p.Glu228Ala). This variant is not present in population databases (gnomAD no frequency). This variant has not been reported in the literature in individuals affected with SGCD-related conditions. ClinVar contains an entry for this variant (Variation ID: 1061219). Invitae Evidence Modeling of protein sequence and biophysical properties (such as structural, functional, and spatial information, amino acid conservation, physicochemical variation, residue mobility, and thermodynamic stability) indicates that this missense variant is not expected to disrupt SGCD protein function with a negative predictive value of 80%. In summary, the available evidence is currently insufficient to determine the role of this variant in disease. Therefore, it has been classified as a Variant of Uncertain Significance.

NM_000337.6(SGCD):c.683A>C (p.Glu228Ala)

Gene: SGCD (sarcoglycan delta; plus strand). Cytogenetic location: 5q33.3.
Variant type: single nucleotide variant.
Coding change: c.683A>C on transcript NM_000337.6 (MANE Select); coding-DNA position 683, A replaced by C.
Protein change: p.Glu228Ala; replaces glutamic acid 228 with alanine.
Molecular consequence: missense variant.
Genome position (GRCh38, 1-based): chr5:156,757,688, A>C. VCF-style: chr5-156757688-A-C. GRCh37 (hg19) VCF-style: chr5-156184699-A-C.
Other names: c.680A>C, p.Glu227Ala (NM_001128209.2); c.683A>C, p.Glu228Ala (NM_172244.3); short protein forms E227A, E228A.
Identifiers: ClinVar variation 1061219 (VCV001061219.9), dbSNP rs2113178162, ClinGen allele CA362008695.
Genomic context (GRCh38, chr5:156,757,688, plus strand): 5'-TGGAAATCAATGCAGAAGCTGGCAATATGGAAGCCACCTGCAGGACAGAGCTGAGACTGG[A>C]ATCCAAAGATGGAGAGGTGAGGGATGAGAAGGACAGAAGTTCAAAGAGCTACAGCTTCAA-3'
Protein context (NP_000328.2, residues 218-238): EATCRTELRL[Glu228Ala]SKDGEIKLDA